The following is an entry in ClinVar:

ClinVar aggregate classification (germline): Pathogenic/Likely pathogenic. Review status: criteria provided, multiple submitters, no conflicts (2 of 4 stars). 8 submissions from 8 submitters: Pathogenic (4); Likely pathogenic (2). 2 of the submissions do not count toward it. Last evaluated 2026-09-24.

Conditions:
Congenital hypothyroidism. Identifiers: Orphanet 442, MedGen C0010308, MONDO:0018612, HP:0000851.
Thyroid dyshormonogenesis 1. Also called: HYPOTHYROIDISM, CONGENITAL, DUE TO DYSHORMONOGENESIS, 1; IODINE ACCUMULATION, TRANSPORT, OR TRAPPING DEFECT; THYROID HORMONOGENESIS, GENETIC DEFECT IN, 1; Familial thyroid dyshormonogenesis 1. Identifiers: Orphanet 95716, MedGen C1848805, MONDO:0020716, OMIM 274400.

Allele frequency attached by ClinVar (database versions not stated): gnomAD exomes 0.00001 and 0.00004; gnomAD 0.00002; TOPMed 0.00002; ExAC 0.00007.
gnomAD v4.1: 19 of 1,613,944 alleles (0.0012%); highest among the groups gnomAD compares: Non-Finnish European, 0.0015%; no homozygotes.

Submissions (8):

GeneDx
Classification: Likely pathogenic. Last evaluated: 2026-09-24. Review status: criteria provided, single submitter. Criteria: GeneDx Variant Classification Process June 2021. Collection method: clinical testing. Allele origin: germline.
Comment: Published functional studies demonstrate a damaging effect as G395R was shown to directly affects protein activity (PMID: 12145342); In silico analysis supports that this missense variant has a deleterious effect on protein structure/function; In silico analysis suggests this variant may impact gene splicing. In the absence of RNA/functional studies, the actual effect of this sequence change is unknown.; This variant is associated with the following publications: (PMID: 10487695, 33692749, 28648508, 18708479, 20153805, 30240412, 33815280, 35438852, 3998954, 12145342)

Laboratory of Genetics, Children's Clinical University Hospital Latvia
Classification: Pathogenic. Last evaluated: 2025-02-16. Review status: criteria provided, single submitter. Criteria: ACMG Guidelines, 2015. Collection method: clinical testing. Allele origin: germline. Affected: yes.

Fulgent Genetics
Classification: Pathogenic for Thyroid dyshormonogenesis 1. Last evaluated: 2024-04-09. Review status: criteria provided, single submitter. Criteria: ACMG Guidelines, 2015. Collection method: clinical testing. Allele origin: germline.

Labcorp Genetics (formerly Invitae), Labcorp
Classification: Pathogenic. Last evaluated: 2024-03-18. Review status: criteria provided, single submitter. Criteria: Invitae Variant Classification Sherloc (09022015). Collection method: clinical testing. Allele origin: germline.
Comment: This sequence change replaces glycine, which is neutral and non-polar, with arginine, which is basic and polar, at codon 395 of the SLC5A5 protein (p.Gly395Arg). This variant is present in population databases (rs121909180, gnomAD 0.009%). This missense change has been observed in individual(s) with SLC5A5-related conditions (PMID: 10487695, 30240412, 33692749). It has also been observed to segregate with disease in related individuals. ClinVar contains an entry for this variant (Variation ID: 7670). Advanced modeling of protein sequence and biophysical properties (such as structural, functional, and spatial information, amino acid conservation, physicochemical variation, residue mobility, and thermodynamic stability) performed at Invitae indicates that this missense variant is expected to disrupt SLC5A5 protein function with a positive predictive value of 80%. Experimental studies have shown that this missense change affects SLC5A5 function (PMID: 10487695). For these reasons, this variant has been classified as Pathogenic.

Women's Health and Genetics/Laboratory Corporation of America, LabCorp
Classification: Pathogenic for Thyroid dyshormonogenesis 1. Last evaluated: 2023-07-20. Review status: criteria provided, single submitter. Criteria: LabCorp Variant Classification Summary - May 2015. Collection method: clinical testing. Allele origin: germline.
Comment: Variant summary: SLC5A5 c.1183G>A (p.Gly395Arg) results in a non-conservative amino acid change in the encoded protein sequence. Five of five in-silico tools predict a damaging effect of the variant on protein function. The variant allele was found at a frequency of 4e-05 in 251436 control chromosomes. c.1183G>A has been reported in the literature in ten homozygous individuals from a large consanguineous family with Familial thyroid dyshormonogenesis 1 (Kosugi_1999). Five of these patients were confirmed to have complete Iodine transport defect. These data indicate that the variant is very likely to be associated with disease. To our knowledge, no experimental evidence demonstrating an impact on protein function has been reported. The following publication have been ascertained in the context of this evaluation (PMID: 10487695). No submitters have cited clinical-significance assessments for this variant to ClinVar after 2014. Based on the evidence outlined above, the variant was classified as pathogenic.

Neuberg Centre For Genomic Medicine, NCGM
Classification: Likely pathogenic for Thyroid dyshormonogenesis 1. Review status: criteria provided, single submitter. Criteria: ACMG Guidelines, 2015. Collection method: clinical testing. Allele origin: germline. Inheritance: Autosomal recessive inheritance. Affected: yes.
Comment: The missense c.1183G>A(p.Gly395Arg) variant in SLC5A5 gene has been reported in homozygous state in multiple family members affected with congenital hypothyroidism (Kosugi S, et.al., 1999). The p.Gly395Arg variant is present with an allele frequency of 0.004% in gnomAD Exomes. This variant has been submitted to the ClinVar database as Pathogenic. Multiple lines of computational evidence (Polyphen -Probably Damaging, SIFT - Damaging and MutationTaster - Disease causing) predict damaging effect on protein structure and function for this variant. The reference amino acid at this position in SLC5A5 is predicted as conserved by GERP++ and PhyloP across 100 vertebrates. The amino acid Gly at position 395 is changed to a Arg changing protein sequence and it might alter its composition and physico-chemical properties. Additional functional evidence will be required to prove the pathogenicity. For these reasons, this variant has been classified as Likely Pathogenic.

OMIM
Classification: Pathogenic for THYROID DYSHORMONOGENESIS 1. Last evaluated: 1999-09-01. Review status: no assertion criteria provided. Collection method: literature only. Allele origin: germline. Not counted in ClinVar's aggregate classification.

Polak associated Lab, IMAGINE Institute
Classification: Pathogenic for Congenital hypothyroidism. Review status: no assertion criteria provided. Collection method: clinical testing. Allele origin: germline. Affected: yes. Not counted in ClinVar's aggregate classification.

Literature cited by the submitters: PubMed 10487695 (cited by 4 submitters); PubMed 30240412 (cited by Labcorp Genetics (formerly Invitae), Labcorp); PubMed 33692749 (cited by Labcorp Genetics (formerly Invitae), Labcorp); PubMed 3998954 (cited by OMIM).

NM_000453.3(SLC5A5):c.1183G>A (p.Gly395Arg)

Gene: SLC5A5 (solute carrier family 5 member 5; plus strand). Cytogenetic location: 19p13.11.
Variant type: single nucleotide variant.
Coding change: c.1183G>A on transcript NM_000453.3 (MANE Select); coding-DNA position 1183, G replaced by A.
Protein change: p.Gly395Arg; replaces glycine 395 with arginine.
Molecular consequence: missense variant.
Genome position (GRCh38, 1-based): chr19:17,882,160, G>A. VCF-style: chr19-17882160-G-A. GRCh37 (hg19) VCF-style: chr19-17992969-G-A.
Other names: c.1183G>A (NM_000453.2); short protein forms G395R.
Identifiers: ClinVar variation 7670 (VCV000007670.12), dbSNP rs121909180, ClinGen allele CA118971.